The following is an entry in ClinVar:

NM_033026.6(PCLO):c.12065C>G (p.Ala4022Gly)

Gene: PCLO (piccolo presynaptic cytomatrix protein; minus strand). Cytogenetic location: 7q21.11.
Variant type: single nucleotide variant.
Coding change: c.12065C>G on transcript NM_033026.6 (MANE Select); coding-DNA position 12065, C replaced by G.
Protein change: p.Ala4022Gly; replaces alanine 4022 with glycine.
Molecular consequence: missense variant.
Genome position (GRCh38, 1-based): chr7:82,915,921, G>C on the plus strand (C>G on the coding strand, the complement: PCLO is on the minus strand). VCF-style: chr7-82915921-G-C. GRCh37 (hg19) VCF-style: chr7-82545237-G-C.
Other names: c.12065C>G, p.Ala4022Gly (NM_014510.3); short protein forms A4022G.
Identifiers: ClinVar variation 1495996 (VCV001495996.6), dbSNP rs750642833, ClinGen allele CA4319446.

ClinVar aggregate classification (germline): Uncertain significance (1 of 4 stars; one submission).

Allele frequency attached by ClinVar (database versions not stated): gnomAD exomes 0.00001; ExAC 0.00002.

Submission:

Labcorp Genetics (formerly Invitae), Labcorp
Classification: Uncertain significance. Last evaluated: 2024-11-19. Review status: criteria provided, single submitter. Criteria: Invitae Variant Classification Sherloc (09022015). Collection method: clinical testing. Allele origin: germline.
Comment: This sequence change replaces alanine, which is neutral and non-polar, with glycine, which is neutral and non-polar, at codon 4022 of the PCLO protein (p.Ala4022Gly). This variant is present in population databases (rs750642833, gnomAD 0.0009%). This variant has not been reported in the literature in individuals affected with PCLO-related conditions. ClinVar contains an entry for this variant (Variation ID: 1495996). Experimental studies and prediction algorithms are not available or were not evaluated, and the functional significance of this variant is currently unknown. In summary, the available evidence is currently insufficient to determine the role of this variant in disease. Therefore, it has been classified as a Variant of Uncertain Significance.